The following is an entry in ClinVar:

ClinVar aggregate classification (germline): Pathogenic (1 of 4 stars; one submission).

Conditions:
Spinal muscular atrophy-progressive myoclonic epilepsy syndrome. Also called: Spinal muscular atrophy with progressive myoclonic epilepsy; Hereditary myoclonus and progressive distal muscular atrophy; MYOCLONUS, HEREDITARY, WITH PROGRESSIVE DISTAL MUSCULAR ATROPHY; Spinal Muscular Atrophy with Progressive Myoclonic Epilepsy (SMA-PME). Identifiers: Orphanet 2590, MedGen C1834569, MONDO:0008045, OMIM 159950.
Farber lipogranulomatosis (FRBRL). Also called: AC DEFICIENCY; ACID CERAMIDASE DEFICIENCY; CERAMIDASE DEFICIENCY; N-LAURYLSPHINGOSINE DEACYLASE DEFICIENCY; Farber's lipogranulomatosis; Farber's disease. Identifiers: Orphanet 333, MedGen C0268255, MONDO:0009218, OMIM 228000.

Submission:

Medical Affairs, Dicerna Pharmaceuticals
Classification: Pathogenic for Farber lipogranulomatosis; Spinal muscular atrophy-progressive myoclonic epilepsy syndrome. Last evaluated: 2019-06-19. Review status: criteria provided, single submitter. Criteria: ACMG Guidelines, 2015. Collection method: literature only. Allele origin: inherited. Inheritance: Autosomal recessive inheritance. Affected: yes. Observed: 1 variant allele.
Comment: The clinical significance of variant c.594_599dupCTTCAA is pathogenic based on the following rationale. This patient described in Teoh et al., 2017, DOI: 10.1542/peds.2016-1068, presented with a unique combined Farber disease/SMA-PME phenotype as described by Gene Reviews. Whole exome sequencing revealed compound heterozygous variants, c.518A>T and c.594_599dupCTTCAA, in the ASAH1 gene. The mutation, c.594_599dupCTTCAA, was Sanger sequenced for confirmation and each parent was found to carry one of the variants supporting autosomal recessive inheritance with a compound heterozygous model. Acid ceramidase level was carried out by using a leukocyte assay in the laboratory of Professor Edward Schuchman, at Mount Sinai, NY, and showed significantly decreased levels of acid ceramidase activity when compared with that of the parents lending to the verification of pathogenicity in this variant.

Genetic testing for SMN1 mutations or deletions. Whole exome sequencing was carried out at the University of Washington Genome Center. The initial whole exome sequencing data analysis confirmed several hundred rare variants with an allele frequency of <1% in control databases. Only 2 genes had at least 2 rare variants within the coding sequence when analyzed for a potential compound heterozygous model, ASAH1 and UBQLN1. Only the variants in ASAH1 had consistent pathogenicity analyses, including an inframe insertion, (c.502G>T) (c.594_599dupCTTCAA).

Literature cited by the submitters: DOI 10.1542/peds.2016-1068.

NM_177924.5(ASAH1):c.594_599dup (p.Phe199_Lys200insAsnPhe)

Gene: ASAH1 (N-acylsphingosine amidohydrolase 1; minus strand). Cytogenetic location: 8p22.
Variant type: Duplication.
Coding change: c.594_599dup on transcript NM_177924.5 (MANE Select); coding-DNA positions 594 to 599, 6 bases duplicated (CTTCAA; older notation c.594_599dupCTTCAA).
Protein change: p.Phe199_Lys200insAsnPhe.
Molecular consequence: inframe insertion.
Genome position (GRCh38, 1-based): chr8:18,062,328-18,062,333, TTGAAG duplicated on the plus strand (CTTCAA on the coding strand, the reverse complement: ASAH1 is on the minus strand). VCF-style (leftmost placement, unchanged base first): chr8-18062327-C-CTTGAAG. GRCh37 (hg19) VCF-style: chr8-17919836-C-CTTGAAG.
Other names: c.594_599dupCTTCAA (NM_177924.5); c.576_581dup, p.Phe193_Lys194insAsnPhe (NM_001127505.3); c.399_404dup, p.Phe134_Lys135insAsnPhe (NM_001363743.2); c.642_647dup, p.Phe215_Lys216insAsnPhe (NM_004315.6).
Identifiers: ClinVar variation 812481 (VCV000812481.1), dbSNP rs1588978684, ClinGen allele CA915945615.